The following is an entry in ClinVar:

NM_007294.4(BRCA1):c.150del (p.Lys50fs)

Gene: BRCA1 (BRCA1 DNA repair associated; minus strand). Cytogenetic location: 17q21.31.
Variant type: Deletion.
Coding change: c.150del on transcript NM_007294.4 (MANE Select); coding-DNA position 150, one base deleted (A; older notation c.150delA).
Protein change: p.Lys50fs; shifts the reading frame from lysine 50.
Molecular consequence: frameshift variant. On other transcripts: non-coding transcript variant (1).
Genome position (GRCh38, 1-based): chr17:43,106,518, T deleted on the plus strand (A on the coding strand, the reverse complement: BRCA1 is on the minus strand); the first of 3 consecutive T bases (chr17:43,106,518-43,106,520); deleting any one gives the same sequence. VCF-style (leftmost placement, unchanged base first): chr17-43106517-GT-G. GRCh37 (hg19) VCF-style: chr17-41258534-GT-G.
Other names: 269delA; c.150delA (NM_007294.3); c.-41delA (NM_001407571.1, NM_001408478.1, NM_001408479.1 and 58 more transcripts); c.148delA, p.Lys50Asnfs (NM_001407581.1, NM_001407582.1, NM_001407583.1 and 166 more transcripts); c.7delA, p.Lys3Asnfs (NM_001408452.1, NM_001408453.1, NM_001408454.1 and 98 more transcripts); c.9del, p.Lys3fs (NM_007297.4); c.150del, p.Lys50fs (NM_007299.4, NM_007300.4); short protein forms K3fs, K50fs.
Identifiers: ClinVar variation 54276 (VCV000054276.13), dbSNP rs273897662, ClinGen allele CA001014.

ClinVar aggregate classification (germline): Pathogenic. Review status: reviewed by expert panel (3 of 4 stars). 4 submissions from 4 submitters: Pathogenic (1). 3 of the submissions do not count toward it. Last evaluated 2016-09-08.

Conditions:
Hereditary breast ovarian cancer syndrome. Also called: Hereditary breast and ovarian cancer syndrome (HBOC); Hereditary breast and ovarian cancer syndrome; Hereditary breast and ovarian cancer; Hereditary breast and/or ovarian cancer syndrome; Breast and ovarian cancer; BRCA1- and BRCA2-Associated Hereditary Breast and Ovarian Cancer. Identifiers: Orphanet 145, MedGen C0677776, MeSH D061325, MONDO:0003582. Disease mechanism: loss of function.
Breast-ovarian cancer, familial, susceptibility to, 1 (BROVCA1). Also called: OVARIAN CANCER, SUSCEPTIBILITY TO; BRCA1 Hereditary Breast and Ovarian Cancer. Identifiers: Orphanet 145, MedGen C2676676, MONDO:0011450, OMIM 604370. Disease mechanism: loss of function.

Submissions (4):

Evidence-based Network for the Interpretation of Germline Mutant Alleles (ENIGMA)
Classification: Pathogenic for Breast-ovarian cancer, familial, susceptibility to, 1. Last evaluated: 2016-09-08. Review status: reviewed by expert panel. Criteria: ENIGMA BRCA1/2 Classification Criteria (2015). Collection method: curation. Allele origin: germline.
Comment: Variant allele predicted to encode a truncated non-functional protein.

Labcorp Genetics (formerly Invitae), Labcorp
Classification: Pathogenic for Hereditary breast ovarian cancer syndrome. Last evaluated: 2020-03-27. Review status: criteria provided, single submitter. Criteria: Invitae Variant Classification Sherloc (09022015). Collection method: clinical testing. Allele origin: germline. Not counted in ClinVar's aggregate classification.
Comment: This variant has been observed in individual(s) with breast cancer (PMID: 28993434). ClinVar contains an entry for this variant (Variation ID: 54276). This variant is not present in population databases (ExAC no frequency). This sequence change creates a premature translational stop signal (p.Lys50Asnfs*19) in the BRCA1 gene. It is expected to result in an absent or disrupted protein product. Loss-of-function variants in BRCA1 are known to be pathogenic (PMID: 20104584). For these reasons, this variant has been classified as Pathogenic.

Consortium of Investigators of Modifiers of BRCA1/2 (CIMBA), c/o University of Cambridge
Classification: Pathogenic for Breast-ovarian cancer, familial, susceptibility to, 1. Last evaluated: 2015-10-02. Review status: criteria provided, single submitter. Criteria: CIMBA Mutation Classification guidelines May 2016. Collection method: clinical testing. Allele origin: germline. Not counted in ClinVar's aggregate classification.

Breast Cancer Information Core (BIC) (BRCA1)
Classification: Pathogenic for Breast-ovarian cancer, familial 1. Last evaluated: 2010-09-18. Review status: no assertion criteria provided. Collection method: clinical testing. Allele origin: germline. Affected: yes. Observed: 1 variant allele. Not counted in ClinVar's aggregate classification.

Literature cited by the submitters: PubMed 28993434 (cited by Labcorp Genetics (formerly Invitae), Labcorp); PubMed 20104584 (cited by Labcorp Genetics (formerly Invitae), Labcorp).